The following is an entry in ClinVar:

ClinVar aggregate classification (germline): Uncertain significance (1 of 4 stars; one submission).

Allele frequency attached by ClinVar (database versions not stated): gnomAD exomes 0.00001 and 0.00002; ExAC 0.00002.
gnomAD v4.1: 6 of 1,613,548 alleles (0.00037%); highest among the groups gnomAD compares: Admixed American, 0.0017%; no homozygotes.

Submission:

Labcorp Genetics (formerly Invitae), Labcorp
Classification: Uncertain significance. Last evaluated: 2022-02-23. Review status: criteria provided, single submitter. Criteria: Invitae Variant Classification Sherloc (09022015). Collection method: clinical testing. Allele origin: germline.
Comment: This sequence change replaces tyrosine, which is neutral and polar, with cysteine, which is neutral and slightly polar, at codon 437 of the PDE6A protein (p.Tyr437Cys). In summary, the available evidence is currently insufficient to determine the role of this variant in disease. Therefore, it has been classified as a Variant of Uncertain Significance. Algorithms developed to predict the effect of sequence changes on RNA splicing suggest that this variant may create or strengthen a splice site. Algorithms developed to predict the effect of missense changes on protein structure and function are either unavailable or do not agree on the potential impact of this missense change (SIFT: "Deleterious"; PolyPhen-2: "Probably Damaging"; Align-GVGD: "Class C0"). This variant has not been reported in the literature in individuals affected with PDE6A-related conditions. This variant is present in population databases (rs765974352, gnomAD 0.004%).

NM_000440.3(PDE6A):c.1310A>G (p.Tyr437Cys)

Gene: PDE6A (phosphodiesterase 6A; minus strand). Cytogenetic location: 5q32.
Variant type: single nucleotide variant.
Coding change: c.1310A>G on transcript NM_000440.3 (MANE Select); coding-DNA position 1310, A replaced by G.
Protein change: p.Tyr437Cys; replaces tyrosine 437 with cysteine.
Molecular consequence: missense variant.
Genome position (GRCh38, 1-based): chr5:149,898,460, T>C on the plus strand (A>G on the coding strand, the complement: PDE6A is on the minus strand). VCF-style: chr5-149898460-T-C. GRCh37 (hg19) VCF-style: chr5-149278023-T-C.
Other names: short protein forms Y437C.
Identifiers: ClinVar variation 1489981 (VCV001489981.8), dbSNP rs765974352, ClinGen allele CA3504728.